The following is an entry in ClinVar:

ClinVar aggregate classification (germline): Uncertain significance. Review status: criteria provided, multiple submitters, no conflicts (2 of 4 stars). 4 submissions from 4 submitters: Uncertain significance (4). Last evaluated 2026-07-06.

Conditions:
Inborn genetic diseases. Identifiers: MedGen C0950123, MeSH D030342.
Malignant hyperthermia, susceptibility to, 5 (MHS5). Also called: CACNA1S-Related Malignant Hyperthermia Susceptibility. Identifiers: Orphanet 423, MedGen C1866077, MONDO:0011163, OMIM 601887.
Hypokalemic periodic paralysis, type 1. Also called: Hypokalemic Periodic Paralysis Type 1 (AD); HypoPP. Identifiers: Orphanet 681, MedGen C3714580, MONDO:0042979, OMIM 170400.

Allele frequency attached by ClinVar (database versions not stated): TOPMed 0.00002; gnomAD 0.00001.

Submissions (4):

Ambry Genetics
Classification: Uncertain significance for Inborn genetic diseases. Last evaluated: 2026-07-06. Review status: criteria provided, single submitter. Criteria: Ambry Variant Classification Scheme 2023. Collection method: clinical testing. Allele origin: germline.
Comment: The p.M1828V variant (also known as c.5482A>G), located in coding exon 44 of the CACNA1S gene, results from an A to G substitution at nucleotide position 5482. The methionine at codon 1828 is replaced by valine, an amino acid with highly similar properties. This amino acid position is conserved. In addition, this alteration is predicted to be tolerated by in silico analysis. Based on the available evidence, the clinical significance of this variant remains unclear.

Color Diagnostics, LLC DBA Color Health
Classification: Uncertain significance for Malignant hyperthermia, susceptibility to, 5. Last evaluated: 2024-01-08. Review status: criteria provided, single submitter. Criteria: ACMG Guidelines, 2015. Collection method: clinical testing. Allele origin: germline.
Comment: This missense variant replaces methionine with valine at codon 1828 of the CACNA1S protein. Computational prediction suggests that this variant may not impact protein structure and function (internally defined REVEL score threshold <= 0.5, PMID: 27666373). To our knowledge, functional studies have not been reported for this variant. This variant has not been reported in individuals affected with CACNA1S-related disorders in the literature. This variant has not been identified in the general population by the Genome Aggregation Database (gnomAD). The available evidence is insufficient to determine the role of this variant in disease conclusively. Therefore, this variant is classified as a Variant of Uncertain Significance.

All of Us Research Program, National Institutes of Health
Classification: Uncertain significance for Malignant hyperthermia, susceptibility to, 5. Last evaluated: 2023-08-15. Review status: criteria provided, single submitter. Criteria: ACMG Guidelines, 2015. Collection method: clinical testing. Allele origin: germline. Inheritance: Autosomal dominant inheritance. Observed: 1 variant allele, 1 heterozygote.
Comment: This missense variant replaces methionine with valine at codon 1828 of the CACNA1S protein. Computational prediction suggests that this variant may not impact protein structure and function (internally defined REVEL score threshold <= 0.5, PMID: 27666373). To our knowledge, functional studies have not been reported for this variant. This variant has not been reported in individuals affected with CACNA1S-related disorders in the literature. This variant has not been identified in the general population by the Genome Aggregation Database (gnomAD). The available evidence is insufficient to determine the role of this variant in disease conclusively. Therefore, this variant is classified as a Variant of Uncertain Significance.

This study involves interpretation of variants in research participants for the purpose of population health screening. Participant phenotype was not available at the time of variant classification. Additional details can be found in publication PMID: 35346344, PMCID: PMC8962531

Labcorp Genetics (formerly Invitae), Labcorp
Classification: Uncertain significance for Hypokalemic periodic paralysis, type 1; Malignant hyperthermia, susceptibility to, 5. Last evaluated: 2022-08-16. Review status: criteria provided, single submitter. Criteria: Invitae Variant Classification Sherloc (09022015). Collection method: clinical testing. Allele origin: germline.
Comment: In summary, the available evidence is currently insufficient to determine the role of this variant in disease. Therefore, it has been classified as a Variant of Uncertain Significance. Advanced modeling of protein sequence and biophysical properties (such as structural, functional, and spatial information, amino acid conservation, physicochemical variation, residue mobility, and thermodynamic stability) performed at Invitae indicates that this missense variant is not expected to disrupt CACNA1S protein function. ClinVar contains an entry for this variant (Variation ID: 1062713). This variant has not been reported in the literature in individuals affected with CACNA1S-related conditions. This variant is not present in population databases (gnomAD no frequency). This sequence change replaces methionine, which is neutral and non-polar, with valine, which is neutral and non-polar, at codon 1828 of the CACNA1S protein (p.Met1828Val).

NM_000069.3(CACNA1S):c.5482A>G (p.Met1828Val)

Gene: CACNA1S (calcium voltage-gated channel subunit alpha1 S; minus strand). Cytogenetic location: 1q32.1.
Variant type: single nucleotide variant.
Coding change: c.5482A>G on transcript NM_000069.3 (MANE Select); coding-DNA position 5482, A replaced by G.
Protein change: p.Met1828Val; replaces methionine 1828 with valine.
Molecular consequence: missense variant.
Genome position (GRCh38, 1-based): chr1:201,039,971, T>C on the plus strand (A>G on the coding strand, the complement: CACNA1S is on the minus strand). VCF-style: chr1-201039971-T-C. GRCh37 (hg19) VCF-style: chr1-201009099-T-C.
Other names: c.5482A>G (NM_000069.2); short protein forms M1828V.
Identifiers: ClinVar variation 1062713 (VCV001062713.13), dbSNP rs1183190556, ClinGen allele CA344128971.
Genomic context (GRCh38, chr1:201,039,971, plus strand): 5'-ATCCCAGGGAGCTGGCCATGCCCTCTGGGGCCTCTCGTCCTTTCAGTAGCTCTGTTGCCA[T>C]GATCTCCACTTCCTCTGGTTCCATTTGGCAGGCATCTGCCAGGGCCTGGCCTGTTGCCAT-3'
Protein context (NP_000060.2, residues 1818-1838): CQMEPEEVEI[Met1828Val]ATELLKGREA